The following is an entry in ClinVar:

ClinVar aggregate classification (germline): Uncertain significance (1 of 4 stars; one submission).

Conditions:
46,XY sex reversal 7. Also called: GONADAL DYSGENESIS, XY, MALE-LIMITED; 46,XY GONADAL DYSGENESIS, PARTIAL OR COMPLETE, DHH-RELATED; DHH-Related 46,XY complete gonadal dysgenesis; 46,XY SEX REVERSAL, PARTIAL OR COMPLETE, DHH-RELATED. Identifiers: Orphanet 242, MedGen C1856273, MONDO:0009301, OMIM 233420.

Submission:

Labcorp Genetics (formerly Invitae), Labcorp
Classification: Uncertain significance for 46,XY sex reversal 7. Last evaluated: 2025-06-09. Review status: criteria provided, single submitter. Criteria: Invitae Variant Classification Sherloc (09022015). Collection method: clinical testing. Allele origin: germline.
Comment: This sequence change replaces glycine, which is neutral and non-polar, with glutamic acid, which is acidic and polar, at codon 202 of the DHH protein (p.Gly202Glu). This variant is not present in population databases (gnomAD no frequency). This variant has not been reported in the literature in individuals affected with DHH-related conditions. ClinVar contains an entry for this variant (Variation ID: 1440085). Invitae Evidence Modeling of protein sequence and biophysical properties (such as structural, functional, and spatial information, amino acid conservation, physicochemical variation, residue mobility, and thermodynamic stability) indicates that this missense variant is not expected to disrupt DHH protein function with a negative predictive value of 80%. In summary, the available evidence is currently insufficient to determine the role of this variant in disease. Therefore, it has been classified as a Variant of Uncertain Significance.

NM_021044.4(DHH):c.605G>A (p.Gly202Glu)

Gene: DHH (desert hedgehog signaling molecule; minus strand). Cytogenetic location: 12q13.12.
Variant type: single nucleotide variant.
Coding change: c.605G>A on transcript NM_021044.4 (MANE Select); coding-DNA position 605, G replaced by A.
Protein change: p.Gly202Glu; replaces glycine 202 with glutamic acid.
Molecular consequence: missense variant.
Genome position (GRCh38, 1-based): chr12:49,090,445, C>T on the plus strand (G>A on the coding strand, the complement: DHH is on the minus strand). VCF-style: chr12-49090445-C-T. GRCh37 (hg19) VCF-style: chr12-49484228-C-T.
Other names: short protein forms G202E.
Identifiers: ClinVar variation 1440085 (VCV001440085.6), dbSNP rs2120824377, ClinGen allele CA384719174.
Genomic context (GRCh38, chr12:49,090,445, plus strand): 5'-CCGCGGTGCAGTTCCCGCAGCCCTTTCCGCTCGCCGCTCCACAGGCGCACAGTTGCATTT[C>T]CCGGAAAGCAGCCGCCCGCCCGGACCGCCAGTGAGTTATCTGCAGGGAACAACCACAGGG-3'
Protein context (NP_066382.1, residues 192-212): LAVRAGGCFP[Gly202Glu]NATVRLWSGE